The following is an entry in ClinVar:

ClinVar aggregate classification (germline): Uncertain significance. Review status: criteria provided, multiple submitters, no conflicts (2 of 4 stars). 2 submissions from 2 submitters: Uncertain significance (2). Last evaluated 2025-08-20.

Conditions:
Familial cancer of breast. Also called: BREAST CANCER, FAMILIAL; Hereditary breast cancer; hereditary breast carcinoma. Identifiers: Orphanet 227535, MedGen C0346153, MONDO:0016419, OMIM 114480. Disease mechanism: loss of function.
Hereditary cancer-predisposing syndrome. Also called: Neoplastic Syndromes, Hereditary; Tumor predisposition; Hereditary neoplastic syndrome; Hereditary Cancer Syndrome. Identifiers: Orphanet 140162, MedGen C0027672, MeSH D009386, MONDO:0015356.

Submissions (2):

Labcorp Genetics (formerly Invitae), Labcorp
Classification: Uncertain significance for Familial cancer of breast. Last evaluated: 2025-08-20. Review status: criteria provided, single submitter. Criteria: Invitae Variant Classification Sherloc (09022015). Collection method: clinical testing. Allele origin: germline.
Comment: This sequence change replaces leucine, which is neutral and non-polar, with valine, which is neutral and non-polar, at codon 640 of the BARD1 protein (p.Leu640Val). This variant is not present in population databases (gnomAD no frequency). This variant has not been reported in the literature in individuals affected with BARD1-related conditions. ClinVar contains an entry for this variant (Variation ID: 2450477). An algorithm developed to predict the effect of missense changes on protein structure and function (PolyPhen-2) suggests that this variant is likely to be disruptive. In summary, the available evidence is currently insufficient to determine the role of this variant in disease. Therefore, it has been classified as a Variant of Uncertain Significance.

Ambry Genetics
Classification: Uncertain significance for Hereditary cancer-predisposing syndrome. Last evaluated: 2023-01-16. Review status: criteria provided, single submitter. Criteria: Ambry Variant Classification Scheme 2023. Collection method: clinical testing. Allele origin: germline.
Comment: The p.L640V variant (also known as c.1918C>G), located in coding exon 10 of the BARD1 gene, results from a C to G substitution at nucleotide position 1918. The leucine at codon 640 is replaced by valine, an amino acid with highly similar properties. This amino acid position is conserved. In addition, this alteration is predicted to be deleterious by in silico analysis. Since supporting evidence is limited at this time, the clinical significance of this alteration remains unclear.

NM_000465.4(BARD1):c.1918C>G (p.Leu640Val)

Gene: BARD1 (BRCA1 associated RING domain 1; minus strand). Cytogenetic location: 2q35.
Variant type: single nucleotide variant.
Coding change: c.1918C>G on transcript NM_000465.4 (MANE Select); coding-DNA position 1918, C replaced by G.
Protein change: p.Leu640Val; replaces leucine 640 with valine.
Molecular consequence: missense variant. On other transcripts: non-coding transcript variant (3).
Genome position (GRCh38, 1-based): chr2:214,730,494, G>C on the plus strand (C>G on the coding strand, the complement: BARD1 is on the minus strand). VCF-style: chr2-214730494-G-C. GRCh37 (hg19) VCF-style: chr2-215595218-G-C.
Other names: c.1861C>G, p.Leu621Val (NM_001282543.2); c.565C>G, p.Leu189Val (NM_001282545.2); c.508C>G, p.Leu170Val (NM_001282548.2); c.379C>G, p.Leu127Val (NM_001282549.2); short protein forms L127V, L170V, L640V, L189V, L621V.
Identifiers: ClinVar variation 2450477 (VCV002450477.3), dbSNP rs1553612535, ClinGen allele CA350451294.
Genomic context (GRCh38, chr2:214,730,494, plus strand): 5'-TTCTGCGTGGACCTTCAGGAATTTCATACTTTTCTTCCTGTTCACATACTTTTCTTCGTA[G>C]ACATGCTTTTACCCCTGACAAAAACACAAGAATTAAAGCAAACTAAGTATCAAGTGAGCA-3'
Protein context (NP_000456.2, residues 630-650): ILKFEWVKAC[Leu640Val]RRKVCEQEEK